The following is an entry in ClinVar:

NM_015103.3(PLXND1):c.4311G>A (p.Ala1437=)

Gene: PLXND1 (plexin D1; minus strand). Cytogenetic location: 3q22.1.
Variant type: single nucleotide variant.
Coding change: c.4311G>A on transcript NM_015103.3 (MANE Select); coding-DNA position 4311, G replaced by A.
Protein change: p.Ala1437=; no amino-acid change (alanine 1437 retained).
Molecular consequence: synonymous variant.
Genome position (GRCh38, 1-based): chr3:129,565,898, C>T on the plus strand (G>A on the coding strand, the complement: PLXND1 is on the minus strand). VCF-style: chr3-129565898-C-T. GRCh37 (hg19) VCF-style: chr3-129284741-C-T.
Identifiers: ClinVar variation 3044790 (VCV003044790.2), dbSNP rs199930186, ClinGen allele CA2608289.

ClinVar aggregate classification (germline): Likely benign (0 of 4 stars; one submission).

Conditions:
PLXND1-related disorder. Also called: PLXND1-related condition.

Allele frequency attached by ClinVar (database versions not stated): gnomAD 0.00001; ExAC 0.00002; gnomAD exomes 0.00002.
gnomAD v4.1: 39 of 1,613,980 alleles (0.0024%); highest among the groups gnomAD compares: South Asian, 0.0044%; no homozygotes.

Submission:

PreventionGenetics, part of Exact Sciences
Classification: Likely benign for PLXND1-related condition. Last evaluated: 2019-06-05. Review status: no assertion criteria provided. Collection method: clinical testing. Allele origin: germline.
Comment: This variant is classified as likely benign based on ACMG/AMP sequence variant interpretation guidelines (Richards et al. 2015 PMID: 25741868, with internal and published modifications).